The following is an entry in ClinVar:

NM_177438.3(DICER1):c.3093+3A>G

Gene: DICER1 (dicer 1, ribonuclease III; minus strand). Cytogenetic location: 14q32.13.
Variant type: single nucleotide variant.
Coding change: c.3093+3A>G on transcript NM_177438.3 (MANE Select); 3 bases into the intron after coding-DNA position 3093, A replaced by G.
Molecular consequence: intron variant.
Genome position (GRCh38, 1-based): chr14:95,105,675, T>C on the plus strand (A>G on the coding strand, the complement: DICER1 is on the minus strand). VCF-style: chr14-95105675-T-C. GRCh37 (hg19) VCF-style: chr14-95572012-T-C.
Other names: c.3093+3A>G (NM_001291628.2, NM_030621.4, NM_001271282.3 and 1 more transcripts).
Identifiers: ClinVar variation 543628 (VCV000543628.9), dbSNP rs775057339, ClinGen allele CA7331123.
Genomic context (GRCh38, chr14:95,105,675, plus strand): 5'-ATCTTTAATAATCTTTAATACTCAAACAAATACTAAGTTATGCTAGTACAATTAACTCAT[T>C]ACCTGTTTATTCTGCAGACTTTCCCATTTGGCTTTCCTCTTCTCAGCACTGCTTAAAGGA-3'

ClinVar aggregate classification (germline): Uncertain significance. Review status: criteria provided, multiple submitters, no conflicts (2 of 4 stars). 2 submissions from 2 submitters: Uncertain significance (2). Last evaluated 2025-09-14.

Conditions:
DICER1-related tumor predisposition. Also called: DICER1-related pleuropulmonary blastoma cancer predisposition syndrome; DICER1 syndrome. Identifiers: Orphanet 284343, MedGen C3839822, MONDO:0100216.
Hereditary cancer-predisposing syndrome. Also called: Neoplastic Syndromes, Hereditary; Tumor predisposition; Hereditary Cancer Syndrome; Hereditary neoplastic syndrome. Identifiers: Orphanet 140162, MedGen C0027672, MeSH D009386, MONDO:0015356.

Allele frequency attached by ClinVar (database versions not stated): gnomAD exomes below 0.00001; ExAC 0.00001.
gnomAD v4.1: 1 of 1,587,706 alleles (0.000063%); highest among the groups gnomAD compares: South Asian, 0.0011%; no homozygotes.

Submissions (2):

Labcorp Genetics (formerly Invitae), Labcorp
Classification: Uncertain significance for DICER1-related tumor predisposition. Last evaluated: 2025-09-14. Review status: criteria provided, single submitter. Criteria: Invitae Variant Classification Sherloc (09022015). Collection method: clinical testing. Allele origin: germline.
Comment: This sequence change falls in intron 19 of the DICER1 gene. It does not directly change the encoded amino acid sequence of the DICER1 protein. It affects a nucleotide within the consensus splice site. This variant is present in population databases (rs775057339, gnomAD 0.003%). This variant has not been reported in the literature in individuals affected with DICER1-related conditions. ClinVar contains an entry for this variant (Variation ID: 543628). Variants that disrupt the consensus splice site are a relatively common cause of aberrant splicing (PMID: 17576681, 9536098). Algorithms developed to predict the effect of sequence changes on RNA splicing suggest that this variant is not likely to affect RNA splicing. In summary, the available evidence is currently insufficient to determine the role of this variant in disease. Therefore, it has been classified as a Variant of Uncertain Significance.

Ambry Genetics
Classification: Uncertain significance for Hereditary cancer-predisposing syndrome. Last evaluated: 2024-07-19. Review status: criteria provided, single submitter. Criteria: Ambry Variant Classification Scheme 2023. Collection method: clinical testing. Allele origin: germline.
Comment: The c.3093+3A>G intronic variant results from an A to G substitution 3 nucleotides after coding exon 18 in the DICER1 gene. This nucleotide position is highly conserved in available vertebrate species. In silico splice site analysis predicts that this alteration will not have any significant effect on splicing. Based on the available evidence, the clinical significance of this variant remains unclear.

Literature cited by the submitters: PubMed 17576681 (cited by Labcorp Genetics (formerly Invitae), Labcorp); PubMed 9536098 (cited by Labcorp Genetics (formerly Invitae), Labcorp).